The following is an entry in ClinVar:

NM_000104.4(CYP1B1):c.78C>T (p.Leu26=)

Gene: CYP1B1 (cytochrome P450 family 1 subfamily B member 1; minus strand). Cytogenetic location: 2p22.2.
Variant type: single nucleotide variant.
Coding change: c.78C>T on transcript NM_000104.4 (MANE Select); coding-DNA position 78, C replaced by T.
Protein change: p.Leu26=; no amino-acid change (leucine 26 retained).
Molecular consequence: synonymous variant.
Genome position (GRCh38, 1-based): chr2:38,075,311, G>A on the plus strand (C>T on the coding strand, the complement: CYP1B1 is on the minus strand). VCF-style: chr2-38075311-G-A. GRCh37 (hg19) VCF-style: chr2-38302454-G-A.
Other names: c.78C>T (NM_000104.3).
Identifiers: ClinVar variation 2884180 (VCV002884180.5), dbSNP rs749181925, ClinGen allele CA1620115.

ClinVar aggregate classification (germline): Likely benign. Review status: criteria provided, single submitter (1 of 4 stars). 2 submissions from 2 submitters: Likely benign (1). 1 of the submissions does not count toward it. Last evaluated 2024-01-25.

Conditions:
CYP1B1-related disorder. Also called: CYP1B1-Related Disorders. Identifiers: MedGen CN239260.
Congenital glaucoma. Identifiers: MedGen C0020302, MONDO:0020366.

Allele frequency attached by ClinVar (database versions not stated): gnomAD exomes 0.00001; ExAC 0.00002; TOPMed 0.00002; gnomAD 0.00003.

Submissions (2):

Labcorp Genetics (formerly Invitae), Labcorp
Classification: Likely benign for Congenital glaucoma. Last evaluated: 2024-01-25. Review status: criteria provided, single submitter. Criteria: Invitae Variant Classification Sherloc (09022015). Collection method: clinical testing. Allele origin: germline.

PreventionGenetics, part of Exact Sciences
Classification: Likely benign for CYP1B1-related condition. Last evaluated: 2022-02-09. Review status: no assertion criteria provided. Collection method: clinical testing. Allele origin: germline. Not counted in ClinVar's aggregate classification.
Comment: This variant is classified as likely benign based on ACMG/AMP sequence variant interpretation guidelines (Richards et al. 2015 PMID: 25741868, with internal and published modifications).